The following is an entry in ClinVar:

NM_144687.4(NLRP12):c.3174C>A (p.Asp1058Glu)

Gene: NLRP12 (NLR family pyrin domain containing 12; minus strand). Cytogenetic location: 19q13.42.
Variant type: single nucleotide variant.
Coding change: c.3174C>A on transcript NM_144687.4 (MANE Select); coding-DNA position 3174, C replaced by A.
Protein change: p.Asp1058Glu; replaces aspartic acid 1058 with glutamic acid.
Molecular consequence: missense variant.
Genome position (GRCh38, 1-based): chr19:53,794,061, G>T on the plus strand (C>A on the coding strand, the complement: NLRP12 is on the minus strand). VCF-style: chr19-53794061-G-T. GRCh37 (hg19) VCF-style: chr19-54297315-G-T.
Other names: p.Asp1058Glu; c.3177C>A, p.Asp1059Glu (NM_001277126.2); c.3003C>A, p.Asp1001Glu (NM_001277129.1); short protein forms D1001E, D1058E, D1059E.
Identifiers: ClinVar variation 1693754 (VCV001693754.8), dbSNP rs1690166860, ClinGen allele CA407407158.

ClinVar aggregate classification (germline): Uncertain significance. Review status: criteria provided, multiple submitters, no conflicts (2 of 4 stars). 3 submissions from 3 submitters: Uncertain significance (3). Last evaluated 2025-10-04.

Conditions:
Familial cold autoinflammatory syndrome 2 (FCAS2). Identifiers: Orphanet 247868, MedGen C2673198, MONDO:0012724, OMIM 611762.

Allele frequency attached by ClinVar (database versions not stated): gnomAD exomes below 0.00001; TOPMed below 0.00001; gnomAD 0.00001.
gnomAD v4.1: 6 of 1,612,906 alleles (0.00037%); highest among the groups gnomAD compares: Middle Eastern, 0.016%; no homozygotes.

Submissions (3):

Labcorp Genetics (formerly Invitae), Labcorp
Classification: Uncertain significance for Familial cold autoinflammatory syndrome 2. Last evaluated: 2025-10-04. Review status: criteria provided, single submitter. Criteria: Invitae Variant Classification Sherloc (09022015). Collection method: clinical testing. Allele origin: germline.
Comment: This sequence change replaces aspartic acid, which is acidic and polar, with glutamic acid, which is acidic and polar, at codon 1058 of the NLRP12 protein (p.Asp1058Glu). This variant is not present in population databases (gnomAD no frequency). This variant has not been reported in the literature in individuals affected with NLRP12-related conditions. ClinVar contains an entry for this variant (Variation ID: 1693754). An algorithm developed to predict the effect of missense changes on protein structure and function (PolyPhen-2) suggests that this variant is likely to be disruptive. In summary, the available evidence is currently insufficient to determine the role of this variant in disease. Therefore, it has been classified as a Variant of Uncertain Significance.

Baylor Genetics
Classification: Uncertain significance for Familial cold autoinflammatory syndrome 2. Last evaluated: 2023-07-08. Review status: criteria provided, single submitter. Criteria: ACMG Guidelines, 2015. Collection method: clinical testing. Allele origin: unknown.

Mayo Clinic Laboratories, Mayo Clinic
Classification: Uncertain significance. Last evaluated: 2021-12-06. Review status: criteria provided, single submitter. Criteria: ACMG Guidelines, 2015. Collection method: clinical testing. Allele origin: germline.